The following is an entry in ClinVar:

NM_000070.3(CAPN3):c.1250C>T (p.Thr417Met)

Gene: CAPN3 (calpain 3; plus strand). Cytogenetic location: 15q15.1.
Variant type: single nucleotide variant.
Coding change: c.1250C>T on transcript NM_000070.3 (MANE Select); coding-DNA position 1250, C replaced by T.
Protein change: p.Thr417Met; replaces threonine 417 with methionine.
Molecular consequence: missense variant.
Genome position (GRCh38, 1-based): chr15:42,399,548, C>T. VCF-style: chr15-42399548-C-T. GRCh37 (hg19) VCF-style: chr15-42691746-C-T.
Other names: NM_000070.3(CAPN3):c.1250C>T; c.1250C>T, p.Thr417Met (NM_024344.2); c.1106C>T, p.Thr369Met (NM_173087.2); short protein forms T417M, T369M.
Identifiers: ClinVar variation 281505 (VCV000281505.103), dbSNP rs200646556, ClinGen allele CA7511300.

ClinVar aggregate classification (germline): Pathogenic. Review status: reviewed by expert panel (3 of 4 stars). 19 submissions from 19 submitters: Pathogenic (1). 18 of the submissions do not count toward it. Last evaluated 2025-05-03.

Conditions:
Muscular dystrophy, limb-girdle, autosomal dominant 4. Also called: MUSCULAR DYSTROPHY, LIMB-GIRDLE, TYPE 1I; Calpain-3-related limb-girdle muscular dystrophy D4. Identifiers: Orphanet 565909, MedGen C4748295, MONDO:0029133, OMIM 618129.
Autosomal recessive limb-girdle muscular dystrophy type 2A (LGMDR1). Also called: Limb-girdle muscular dystrophy, type 2A; LEYDEN-MOEBIUS MUSCULAR DYSTROPHY; MUSCULAR DYSTROPHY, PELVOFEMORAL; Calpainopathy; Muscular dystrophy, limb-girdle, type 2A, Amish. Identifiers: Orphanet 267, MedGen C1869123, MONDO:0009675, OMIM 253600. Disease mechanism: loss of function.
CAPN3-related disorder. Also called: CAPN3-related disorders; CAPN3-related condition. Identifiers: MedGen CN239245.
Autosomal recessive limb-girdle muscular dystrophy. Identifiers: Orphanet 102015, MedGen C2931907, MONDO:0015152.

Allele frequency attached by ClinVar (database versions not stated): ExAC 0.00005; gnomAD 0.00005 and 0.00006; gnomAD exomes 0.00005; TOPMed 0.00006.
gnomAD v4.1: 143 of 1,613,410 alleles (0.0089%); highest among the groups gnomAD compares: Non-Finnish European, 0.012%; no homozygotes.

Submissions 1 to 11 of 19:

ClinGen Limb Girdle Muscular Dystrophy Variant Curation Expert Panel, ClinGen
Classification: Pathogenic for Autosomal recessive limb-girdle muscular dystrophy. Last evaluated: 2025-05-03. Review status: reviewed by expert panel. Criteria: ClinGen LGMD VCEP ACMG Specifications CAPN3 V1.0.0. Collection method: curation. Allele origin: germline. Inheritance: Autosomal recessive inheritance.
Comment: The NM_000070.3: c.1250C>T variant in CAPN3 is a missense variant predicted to cause the substitution of threonine by methionine at codon 417, p.(Thr417Met). Across a selection of the available literature, this variant has been detected in at least seven individuals with features consistent with LGMD (PMID: 19556129, 27447704, 16650086, 37526466), including in a homozygous state in two patients without reported familial consanguinity (1.0 pt, PMID: 37526466) and confirmed in trans with a pathogenic variant in at least three patients (c.550del p.(Thr184ArgfsTer36) x2, 2.0 pts, PMID: 27447704, 37526466; c.2362_2363delinsTCATCT p.(Arg788SerfsTer14), 1.0 pt, PMID: 16650086) (PM3_Very Strong). At least one patient with this variant and a second presumed diagnostic CAPN3 variant displayed progressive limb girdle muscle weakness and significantly reduced calpain-3 protein expression, which is specific for CAPN3-related LGMD (PMID: 16650086; PP4_Moderate). The filtering allele frequency of this variant is 0.0001353 (the upper threshold of the 95% CI of 130/1111468 European (non-Finnish) exome chromosomes) in gnomAD v4.1.0, which is greater than the ClinGen LGMD VCEP threshold (≤0.0001) (PM2_Supporting not met). The computational predictor REVEL gives a score of 0.90, which is above the LGMD VCEP threshold of ≥0.70, evidence that correlates with impact to CAPN3 function (PP3). A minigene assay showed the variant does not affect splicing (PMID: 32668095), consistent with the SpliceAI score of 0.02. In vitro evidence indicates that the p.Thr417Met amino acid change results in accelerated autoproteolysis, rendering the enzyme inactive prematurely (PMID: 19226146). In summary, this variant meets the criteria to be classified as Pathogenic for autosomal recessive limb girdle muscular dystrophy based on the ACMG/AMP criteria applied, as specified by the ClinGen LGMD VCEP (LGMD VCEP specifications version 1.0.0; 05/03/2025): PM3_Very Strong, PP4_Moderate, PP3.

CeGaT Center for Human Genetics Tuebingen
Classification: Pathogenic. Last evaluated: 2026-08-01. Review status: criteria provided, single submitter. Criteria: CeGaT Center For Human Genetics Tuebingen Variant Classification Criteria Version 2. Collection method: clinical testing. Allele origin: germline. Affected: yes. Observed: 10 variant alleles. Not counted in ClinVar's aggregate classification.
Comment: CAPN3: PM3:Very Strong, PM2, PP3, PS3:Supporting

Labcorp Genetics (formerly Invitae), Labcorp
Classification: Pathogenic for Autosomal recessive limb-girdle muscular dystrophy type 2A. Last evaluated: 2025-12-30. Review status: criteria provided, single submitter. Criteria: Invitae Variant Classification Sherloc (09022015). Collection method: clinical testing. Allele origin: germline. Not counted in ClinVar's aggregate classification.
Comment: This sequence change replaces threonine, which is neutral and polar, with methionine, which is neutral and non-polar, at codon 417 of the CAPN3 protein (p.Thr417Met). This variant is present in population databases (rs200646556, gnomAD 0.008%). This missense change has been observed in individuals with autosomal recessive limb-girdle muscular dystrophy (PMID: 16650086, 20517216, 25079074, 25135358). ClinVar contains an entry for this variant (Variation ID: 281505). Invitae Evidence Modeling of protein sequence and biophysical properties (such as structural, functional, and spatial information, amino acid conservation, physicochemical variation, residue mobility, and thermodynamic stability) indicates that this missense variant is expected to disrupt CAPN3 protein function with a positive predictive value of 80%. Experimental studies have shown that this missense change affects CAPN3 function (PMID: 19226146). For these reasons, this variant has been classified as Pathogenic.

Dasa
Classification: Pathogenic. Last evaluated: 2025-12-06. Review status: criteria provided, single submitter. Criteria: DASA Assertion Criteria. Collection method: clinical testing. Allele origin: germline. Not counted in ClinVar's aggregate classification.
Comment: NM_000070.3(CAPN3):c.1250C>T (p.Thr417Met) is a missense variant that results in the substitution of threonine with methionine. This variant has been observed in affected individuals with related phenotype in a genotype context consistent with recessive disease (PMID: 19556129; PMID: 19226146). Functional evidence supports a deleterious effect on the gene or gene product (PMID: 19556129; PMID: 19226146). This variant has been recurrently observed in individuals with related phenotype (PMID: 19556129; PMID: 19226146). Multiple computational predictions support a deleterious effect on the gene or gene product. The variant is present at low frequency in population datasets. Based on the available data, this variant is classified as pathogenic.

Natera, Inc.
Classification: Pathogenic for Limb-girdle muscular dystrophy type 2A. Last evaluated: 2025-11-30. Review status: criteria provided, single submitter. Criteria: Natera Variant Classification Schema (03/2026). Collection method: clinical testing. Allele origin: germline. Not counted in ClinVar's aggregate classification.
Comment: The c.1250C>T variant in CAPN3 is a missense variant predicted to cause substitution of threonine to methionine at amino acid 417. This variant is rare in the general population with a frequency below the threshold expected for the associated phenotype(s). This variant has been observed in one or more individuals affected with the associated recessive disease, as either homozygous or compound heterozygous with a second variant (PMID: 37526466, 16650086). Computational prediction algorithms indicate this variant is likely to affect gene or protein function. Given the available evidence, this variant is classified as Pathogenic.

Revvity Omics, Revvity
Classification: Pathogenic. Last evaluated: 2025-03-17. Review status: criteria provided, single submitter. Criteria: ACMG Guidelines, 2015. Collection method: clinical testing. Allele origin: germline. Not counted in ClinVar's aggregate classification.

GeneDx
Classification: Likely pathogenic. Last evaluated: 2025-03-05. Review status: criteria provided, single submitter. Criteria: GeneDx Variant Classification Process June 2021. Collection method: clinical testing. Allele origin: germline. Affected: yes. Not counted in ClinVar's aggregate classification.
Comment: Observed in apparent homozygous state in patients with LGMD in the literature and not observed in homozygous state in controls (PMID: 25135358, 25214167); In silico analysis supports that this missense variant has a deleterious effect on protein structure/function; This variant is associated with the following publications: (PMID: 25135358, 19226146, 15689361, 19556129, 25214167, 25079074, 16650086, 32703463, 29792937, 31788660, 32528171, 32668095, Koken_2022_Abstract, 34440373, 34493867)

Blueprint Genetics
Classification: Pathogenic for CAPN3-related disorders. Last evaluated: 2024-07-19. Review status: criteria provided, single submitter. Criteria: ACMG Guidelines, 2015. Collection method: clinical testing. Allele origin: germline. Affected: yes. Observed: 5 variant alleles. Not counted in ClinVar's aggregate classification.

Fulgent Genetics
Classification: Pathogenic for Autosomal recessive limb-girdle muscular dystrophy type 2A; Muscular dystrophy, limb-girdle, autosomal dominant 4. Last evaluated: 2024-04-24. Review status: criteria provided, single submitter. Criteria: ACMG Guidelines, 2015. Collection method: clinical testing. Allele origin: germline. Not counted in ClinVar's aggregate classification.

Baylor Genetics
Classification: Pathogenic for Muscular dystrophy, limb-girdle, autosomal dominant 4. Last evaluated: 2024-03-21. Review status: criteria provided, single submitter. Criteria: ACMG Guidelines, 2015. Collection method: clinical testing. Allele origin: unknown. Not counted in ClinVar's aggregate classification.

Kariminejad - Najmabadi Pathology & Genetics Center
Classification: Pathogenic for Autosomal recessive limb-girdle muscular dystrophy type 2A. Last evaluated: 2023-06-09. Review status: criteria provided, single submitter. Criteria: ACMG Guidelines, 2015. Collection method: clinical testing. Allele origin: germline. Inheritance: Autosomal recessive inheritance. Affected: yes. Not counted in ClinVar's aggregate classification.
Comment: PP5_strong,PP3_strong,PM2,PP2_supporting?